The following is an entry in ClinVar:

NM_000088.4(COL1A1):c.983C>A (p.Thr328Asn)

Gene: COL1A1 (collagen type I alpha 1 chain; minus strand). Cytogenetic location: 17q21.33.
Variant type: single nucleotide variant.
Coding change: c.983C>A on transcript NM_000088.4 (MANE Select); coding-DNA position 983, C replaced by A.
Protein change: p.Thr328Asn; replaces threonine 328 with asparagine.
Molecular consequence: missense variant.
Genome position (GRCh38, 1-based): chr17:50,196,174, G>T on the plus strand (C>A on the coding strand, the complement: COL1A1 is on the minus strand). VCF-style: chr17-50196174-G-T. GRCh37 (hg19) VCF-style: chr17-48273535-G-T.
Other names: short protein forms T328N.
Identifiers: ClinVar variation 1059840 (VCV001059840.8), dbSNP rs766151268, ClinGen allele CA8645456.
Genomic context (GRCh38, chr17:50,196,174, plus strand): 5'-CTCCCCACTCCCAGGCCCTGAGGCCTACAGGCCACACTCACAGGGGGCCCGGCAGCACCA[G>T]TAGCACCATCATTTCCACGAGCACCCTGCAGGAGAGAGGGGAAGCCCCGTTAAGTCCACT-3'
Protein context (NP_000079.2, residues 318-338): PAGARGNDGA[Thr328Asn]GAAGPPGPTG

ClinVar aggregate classification (germline): Uncertain significance. Review status: criteria provided, multiple submitters, no conflicts (2 of 4 stars). 2 submissions from 2 submitters: Uncertain significance (2). Last evaluated 2026-05-28.

Conditions:
Osteogenesis imperfecta type I (OI1). Also called: OI, TYPE I; OSTEOGENESIS IMPERFECTA TARDA; OSTEOGENESIS IMPERFECTA WITH BLUE SCLERAE; Osteogenesis imperfecta type 1; Lobstein's Disease; Classic Non-deforming Osteogenesis Imperfecta with Blue Sclerae. Identifiers: Orphanet 216796, Orphanet 666, MedGen C0023931, MONDO:0008146, OMIM 166200. Disease mechanism: loss of function.

Allele frequency attached by ClinVar (database versions not stated): ExAC 0.00002; gnomAD 0.00001; TOPMed 0.00001; gnomAD exomes 0.00002.
gnomAD v4.1: 49 of 1,613,992 alleles (0.003%); highest among the groups gnomAD compares: Non-Finnish European, 0.0042%; no homozygotes.

Submissions (2):

Women's Health and Genetics/Laboratory Corporation of America, LabCorp
Classification: Uncertain significance. Last evaluated: 2026-05-28. Review status: criteria provided, single submitter. Criteria: LabCorp Variant Classification Summary - May 2015. Collection method: clinical testing. Allele origin: germline.
Comment: Variant summary: COL1A1 c.983C>A (p.Thr328Asn) results in a non-conservative amino acid change in the encoded protein sequence. Algorithms developed to predict the effect of missense changes on protein structure and function are either unavailable or do not agree on the potential impact of this missense change. The variant allele was found at a frequency of 1.6e-05 in 251022 control chromosomes, predominantly at a frequency of 3.5e-05 within the Non-Finnish European subpopulation in the gnomAD database. The available data on variant occurrences in the general population are insufficient to allow any conclusion about variant significance. c.983C>A has been observed in individual(s) affected with Spontaneous Coronary Artery Dissection (Zekavat_2022). These report(s) do not provide unequivocal conclusions about association of the variant with disease. To our knowledge, no experimental evidence demonstrating an impact on protein function has been reported. The following publication has been ascertained in the context of this evaluation (PMID: 35234813). ClinVar contains an entry for this variant (Variation ID: 1059840). Based on the evidence outlined above, the variant was classified as uncertain significance.

Labcorp Genetics (formerly Invitae), Labcorp
Classification: Uncertain significance for Osteogenesis imperfecta type I. Last evaluated: 2021-11-10. Review status: criteria provided, single submitter. Criteria: Invitae Variant Classification Sherloc (09022015). Collection method: clinical testing. Allele origin: germline.
Comment: This sequence change replaces threonine, which is neutral and polar, with asparagine, which is neutral and polar, at codon 328 of the COL1A1 protein (p.Thr328Asn). This variant is present in population databases (rs766151268, gnomAD 0.004%). This variant has not been reported in the literature in individuals affected with COL1A1-related conditions. ClinVar contains an entry for this variant (Variation ID: 1059840). Advanced modeling of protein sequence and biophysical properties (such as structural, functional, and spatial information, amino acid conservation, physicochemical variation, residue mobility, and thermodynamic stability) performed at Invitae indicates that this missense variant is not expected to disrupt COL1A1 protein function. In summary, the available evidence is currently insufficient to determine the role of this variant in disease. Therefore, it has been classified as a Variant of Uncertain Significance.

Literature cited by the submitters: PubMed 35234813 (cited by Women's Health and Genetics/Laboratory Corporation of America, LabCorp).